The following is an entry in ClinVar:

ClinVar aggregate classification (germline): Uncertain significance (1 of 4 stars; one submission).

Conditions:
Dyskeratosis congenita, autosomal dominant 1 (DKCA1). Also called: Dyskeratosis congenita Scoggins type. Identifiers: Orphanet 1775, MedGen C4551974, MONDO:0007485, OMIM 127550. Inheritance: Variable.

gnomAD v4.1: 1 of 761,456 alleles (0.00013%); no homozygotes.

Submission:

Labcorp Genetics (formerly Invitae), Labcorp
Classification: Uncertain significance for Dyskeratosis congenita, autosomal dominant 1. Last evaluated: 2018-08-08. Review status: criteria provided, single submitter. Criteria: Invitae Variant Classification Sherloc (09022015). Collection method: clinical testing. Allele origin: germline.
Comment: This sequence change occurs in the TERC gene, which encodes an RNA molecule that is not translated into a protein product. TERC is a telomerase RNA template component required for telomeric DNA synthesis. This variant is not present in population databases (ExAC no frequency). This variant has not been reported in the literature in individuals with TERC-related disease. This variant is located within the BoxH/ACA scaRNA domain of the TERC RNA component, which is required for telomerase activity (PMID: 21844345). Functional studies testing the effect of this variant on TERC secondary structure or function have not been reported. In summary, the available evidence is currently insufficient to determine the role of this variant in disease. Therefore, it has been classified as a Variant of Uncertain Significance.

Literature cited by the submitters: PubMed 21844345.

NC_000003.12:g.169764695C>A

Genes: TERC (telomerase RNA component; minus strand), LOC110806306 (telomerase RNA component (TERC) promoter; plus strand). Cytogenetic location: 3q26.2.
Variant type: single nucleotide variant.
Genome position: GRCh38 VCF-style: chr3-169764695-C-A. GRCh37 (hg19) VCF-style: chr3-169482483-C-A.
Identifiers: ClinVar variation 581268 (VCV000581268.10), dbSNP rs1560578577, ClinGen allele CA436714932.